The following is an entry in ClinVar:

ClinVar aggregate classification (germline): Uncertain significance. Review status: criteria provided, multiple submitters, no conflicts (2 of 4 stars). 4 submissions from 4 submitters: Uncertain significance (4). Last evaluated 2025-12-17.

Conditions:
Familial thoracic aortic aneurysm and aortic dissection (TAAD). Also called: Thoracic aortic aneurysms and dissections. Identifiers: Orphanet 91387, MedGen C4707243, MONDO:0019625.
Ehlers-Danlos syndrome, classic type, 1 (EDSCL1). Also called: Ehlers-Danlos Syndrome, Classic Type, COL5A1-Related; EDS I; Ehlers-Danlos syndrome, type 1; EHLERS-DANLOS SYNDROME, GRAVIS TYPE; EHLERS-DANLOS SYNDROME, SEVERE CLASSIC TYPE. Identifiers: MedGen C0268335, MONDO:0019567, OMIM 130000.

Allele frequency attached by ClinVar (database versions not stated): ESP Exome Variant Server 0.00008; gnomAD exomes 0.00001; TOPMed 0.00002.
gnomAD v4.1: 5 of 1,613,856 alleles (0.00031%); highest among the groups gnomAD compares: South Asian, 0.0011%; no homozygotes.

Submissions (4):

Labcorp Genetics (formerly Invitae), Labcorp
Classification: Uncertain significance for Ehlers-Danlos syndrome, classic type, 1. Last evaluated: 2025-12-17. Review status: criteria provided, single submitter. Criteria: Invitae Variant Classification Sherloc (09022015). Collection method: clinical testing. Allele origin: germline.
Comment: This sequence change replaces alanine, which is neutral and non-polar, with proline, which is neutral and non-polar, at codon 196 of the COL5A2 protein (p.Ala196Pro). This variant is present in population databases (rs142855115, gnomAD 0.0009%). This missense change has been observed in individual(s) with clinical features of COL5A2-related conditions (internal data). ClinVar contains an entry for this variant (Variation ID: 519683). Invitae Evidence Modeling of protein sequence and biophysical properties (such as structural, functional, and spatial information, amino acid conservation, physicochemical variation, residue mobility, and thermodynamic stability) indicates that this missense variant is not expected to disrupt COL5A2 protein function with a negative predictive value of 80%. In summary, the available evidence is currently insufficient to determine the role of this variant in disease. Therefore, it has been classified as a Variant of Uncertain Significance.

Women's Health and Genetics/Laboratory Corporation of America, LabCorp
Classification: Uncertain significance. Last evaluated: 2025-10-29. Review status: criteria provided, single submitter. Criteria: LabCorp Variant Classification Summary - May 2015. Collection method: clinical testing. Allele origin: germline.
Comment: Variant summary: COL5A2 c.586G>C (p.Ala196Pro) results in a non-conservative amino acid change in the encoded protein sequence. Algorithms developed to predict the effect of missense changes on protein structure and function all suggest that this variant is likely to be disruptive. The variant allele was found at a frequency of 4e-06 in 251428 control chromosomes. The available data on variant occurrences in the general population are insufficient to allow any conclusion about variant significance. c.586G>C has been observed in individual(s) affected with clinical features of COL5A2-related conditions (internal data). These data do not allow any conclusion about variant significance. To our knowledge, no experimental evidence demonstrating an impact on protein function has been reported. ClinVar contains an entry for this variant (Variation ID: 519683). Based on the evidence outlined above, the variant was classified as uncertain significance.

GeneDx
Classification: Uncertain significance. Last evaluated: 2023-10-13. Review status: criteria provided, single submitter. Criteria: GeneDx Variant Classification Process June 2021. Collection method: clinical testing. Allele origin: germline. Affected: yes.
Comment: Has not been previously published as pathogenic or benign to our knowledge; Not observed at significant frequency in large population cohorts (gnomAD); In silico analysis supports that this missense variant does not alter protein structure/function; Not located in the triple helical region, where the majority of pathogenic missense variants occur (Symoens et al., 2012; HGMD); This variant is associated with the following publications: (PMID: 22696272)

Ambry Genetics
Classification: Uncertain significance for Familial thoracic aortic aneurysm and aortic dissection. Last evaluated: 2017-03-23. Review status: criteria provided, single submitter. Criteria: Ambry Variant Classification Scheme 2023. Collection method: clinical testing. Allele origin: germline.
Comment: The p.A196P variant (also known as c.586G>C), located in coding exon 8 of the COL5A2 gene, results from a G to C substitution at nucleotide position 586. The alanine at codon 196 is replaced by proline, an amino acid with highly similar properties. This amino acid position is highly conserved in available vertebrate species. In addition, this alteration is predicted to be deleterious by in silico analysis. Since supporting evidence is limited at this time, the clinical significance of this alteration remains unclear.

NM_000393.5(COL5A2):c.586G>C (p.Ala196Pro)

Gene: COL5A2 (collagen type V alpha 2 chain; minus strand). Cytogenetic location: 2q32.2.
Variant type: single nucleotide variant.
Coding change: c.586G>C on transcript NM_000393.5 (MANE Select); coding-DNA position 586, G replaced by C.
Protein change: p.Ala196Pro; replaces alanine 196 with proline.
Molecular consequence: missense variant.
Genome position (GRCh38, 1-based): chr2:189,088,754, C>G on the plus strand (G>C on the coding strand, the complement: COL5A2 is on the minus strand). VCF-style: chr2-189088754-C-G. GRCh37 (hg19) VCF-style: chr2-189953480-C-G.
Other names: short protein forms A196P.
Identifiers: ClinVar variation 519683 (VCV000519683.18), dbSNP rs142855115, ClinGen allele CA2023013.